The following is an entry in ClinVar:

NM_001023570.4(IQCB1):c.314A>G (p.Asn105Ser)

Gene: IQCB1 (IQ motif containing B1; minus strand). Cytogenetic location: 3q13.33.
Variant type: single nucleotide variant.
Coding change: c.314A>G on transcript NM_001023570.4 (MANE Select); coding-DNA position 314, A replaced by G.
Protein change: p.Asn105Ser; replaces asparagine 105 with serine.
Molecular consequence: missense variant. On other transcripts: non-coding transcript variant (1).
Genome position (GRCh38, 1-based): chr3:121,826,130, T>C on the plus strand (A>G on the coding strand, the complement: IQCB1 is on the minus strand). VCF-style: chr3-121826130-T-C. GRCh37 (hg19) VCF-style: chr3-121544977-T-C.
Other names: c.314A>G, p.Asn105Ser (NM_001023571.4, NM_001319107.2); c.314A>G (NM_001023570.2); short protein forms N105S.
Identifiers: ClinVar variation 1043765 (VCV001043765.9), dbSNP rs1950458495, ClinGen allele CA354111800.
Genomic context (GRCh38, chr3:121,826,130, plus strand): 5'-CATGTTTGTAATTGTCTCCCCAAAACTAGAAAATTTTCTGCAGCTGATGGAAGTAATTCA[T>C]TGTAAAATTCCTCTGCATCTTCTCCTGGCTCCAAGCCCACACAGCAATGGCTGAAATAAG-3'
Protein context (NP_001018864.2, residues 95-115): EPGEDAEEFY[Asn105Ser]ELLPSAAENF

ClinVar aggregate classification (germline): Uncertain significance. Review status: criteria provided, multiple submitters, no conflicts (2 of 4 stars). 2 submissions from 2 submitters: Uncertain significance (2). Last evaluated 2026-02-23.

Conditions:
Inborn genetic diseases. Identifiers: MedGen C0950123, MeSH D030342.
Nephronophthisis. Also called: Juvenile Nephronophthisis. Identifiers: Orphanet 655, MedGen C0687120, MONDO:0019005, HP:0000090.

Allele frequency attached by ClinVar (database versions not stated): gnomAD exomes below 0.00001; TOPMed 0.00001.
gnomAD v4.1: 4 of 1,613,364 alleles (0.00025%); highest among the groups gnomAD compares: African/African-American, 0.004%; no homozygotes.

Submissions (2):

Ambry Genetics
Classification: Uncertain significance for Inborn genetic diseases. Last evaluated: 2026-02-23. Review status: criteria provided, single submitter. Criteria: Ambry Variant Classification Scheme 2023. Collection method: clinical testing. Allele origin: germline.

Labcorp Genetics (formerly Invitae), Labcorp
Classification: Uncertain significance for Nephronophthisis. Last evaluated: 2020-07-08. Review status: criteria provided, single submitter. Criteria: Invitae Variant Classification Sherloc (09022015). Collection method: clinical testing. Allele origin: germline.
Comment: In summary, the available evidence is currently insufficient to determine the role of this variant in disease. Therefore, it has been classified as a Variant of Uncertain Significance. Algorithms developed to predict the effect of missense changes on protein structure and function output the following: SIFT: "Tolerated"; PolyPhen-2: "Benign"; Align-GVGD: "Class C0". The serine amino acid residue is found in multiple mammalian species, suggesting that this missense change does not adversely affect protein function. These predictions have not been confirmed by published functional studies and their clinical significance is uncertain. This variant has not been reported in the literature in individuals with IQCB1-related conditions. This variant is not present in population databases (ExAC no frequency). This sequence change replaces asparagine with serine at codon 105 of the IQCB1 protein (p.Asn105Ser). The asparagine residue is moderately conserved and there is a small physicochemical difference between asparagine and serine.